The following is an entry in ClinVar:

NM_001352514.2(HLCS):c.1810C>T (p.Arg604Cys)

Gene: HLCS (holocarboxylase synthetase; minus strand). Cytogenetic location: 21q22.13.
Variant type: single nucleotide variant.
Coding change: c.1810C>T on transcript NM_001352514.2 (MANE Select); coding-DNA position 1810, C replaced by T.
Protein change: p.Arg604Cys; replaces arginine 604 with cysteine.
Molecular consequence: missense variant. On other transcripts: non-coding transcript variant (2).
Genome position (GRCh38, 1-based): chr21:36,896,942, G>A on the plus strand (C>T on the coding strand, the complement: HLCS is on the minus strand). VCF-style: chr21-36896942-G-A. GRCh37 (hg19) VCF-style: chr21-38269242-G-A.
Other names: c.1369C>T, p.Arg457Cys (NM_000411.8, NM_001242784.3, NM_001242785.2 and 4 more transcripts); short protein forms R457C, R604C.
Identifiers: ClinVar variation 1460667 (VCV001460667.5), dbSNP rs547391411, ClinGen allele CA10020465.

ClinVar aggregate classification (germline): Uncertain significance (1 of 4 stars; one submission).

Conditions:
Holocarboxylase synthetase deficiency. Also called: MULTIPLE CARBOXYLASE DEFICIENCY, EARLY ONSET. Identifiers: Orphanet 79242, MedGen C0268581, MONDO:0009666, OMIM 253270.

Allele frequency attached by ClinVar (database versions not stated): ExAC 0.00001; gnomAD 0.00001; gnomAD exomes 0.00002; TOPMed 0.00002; 1000 Genomes Project 30x 0.00016; 1000 Genomes Project 0.00020.
gnomAD v4.1: 20 of 1,614,126 alleles (0.0012%); highest among the groups gnomAD compares: East Asian, 0.0045%; no homozygotes.

Submission:

Labcorp Genetics (formerly Invitae), Labcorp
Classification: Uncertain significance for Holocarboxylase synthetase deficiency. Last evaluated: 2021-08-30. Review status: criteria provided, single submitter. Criteria: Invitae Variant Classification Sherloc (09022015). Collection method: clinical testing. Allele origin: germline.
Comment: This sequence change replaces arginine with cysteine at codon 457 of the HLCS protein (p.Arg457Cys). The arginine residue is weakly conserved and there is a large physicochemical difference between arginine and cysteine. This variant is present in population databases (rs547391411, ExAC 0.009%). This variant has not been reported in the literature in individuals affected with HLCS-related conditions. Algorithms developed to predict the effect of missense changes on protein structure and function are either unavailable or do not agree on the potential impact of this missense change (SIFT: "Tolerated"; PolyPhen-2: "Possibly Damaging"; Align-GVGD: "Class C0"). In summary, the available evidence is currently insufficient to determine the role of this variant in disease. Therefore, it has been classified as a Variant of Uncertain Significance.